The following is an entry in ClinVar:

ClinVar aggregate classification (germline): Uncertain significance. Review status: criteria provided, multiple submitters, no conflicts (2 of 4 stars). 2 submissions from 2 submitters: Uncertain significance (2). Last evaluated 2022-03-04.

Conditions:
Severe combined immunodeficiency due to DNA-PKcs deficiency. Also called: IMMUNODEFICIENCY 26 WITH NEUROLOGIC ABNORMALITIES; Immunodeficiency 26 with or without neurologic abnormalities. Identifiers: Orphanet 317425, MedGen C4014833, MONDO:0014423, OMIM 615966.

Allele frequency attached by ClinVar (database versions not stated): TOPMed below 0.00001; gnomAD 0.00001.
gnomAD v4.1: 2 of 1,595,872 alleles (0.00013%); highest among the groups gnomAD compares: Non-Finnish European, 0.00017%; no homozygotes.

Submissions (2):

Ambry Genetics
Classification: Uncertain significance. Last evaluated: 2022-03-04. Review status: criteria provided, single submitter. Criteria: Ambry Variant Classification Scheme 2023. Collection method: clinical testing. Allele origin: germline.
Comment: The p.T1223I variant (also known as c.3668C>T), located in coding exon 31 of the PRKDC gene, results from a C to T substitution at nucleotide position 3668. The threonine at codon 1223 is replaced by isoleucine, an amino acid with similar properties. This amino acid position is conserved. In addition, this alteration is predicted to be tolerated by in silico analysis. Since supporting evidence is limited at this time, the clinical significance of this alteration remains unclear.

Labcorp Genetics (formerly Invitae), Labcorp
Classification: Uncertain significance for Severe combined immunodeficiency due to DNA-PKcs deficiency. Last evaluated: 2021-08-26. Review status: criteria provided, single submitter. Criteria: Invitae Variant Classification Sherloc (09022015). Collection method: clinical testing. Allele origin: germline.

NM_006904.7(PRKDC):c.3668C>T (p.Thr1223Ile)

Gene: PRKDC (protein kinase, DNA-activated, catalytic subunit; minus strand). Cytogenetic location: 8q11.21.
Variant type: single nucleotide variant.
Coding change: c.3668C>T on transcript NM_006904.7 (MANE Select); coding-DNA position 3668, C replaced by T.
Protein change: p.Thr1223Ile; replaces threonine 1223 with isoleucine.
Molecular consequence: missense variant.
Genome position (GRCh38, 1-based): chr8:47,893,318, G>A on the plus strand (C>T on the coding strand, the complement: PRKDC is on the minus strand). VCF-style: chr8-47893318-G-A. GRCh37 (hg19) VCF-style: chr8-48805878-G-A.
Other names: c.3668C>T, p.Thr1223Ile (NM_001081640.2); short protein forms T1223I.
Identifiers: ClinVar variation 650976 (VCV000650976.6), dbSNP rs756873491, ClinGen allele CA371150870.